The following is an entry in ClinVar:

ClinVar aggregate classification (germline): Uncertain significance. Review status: criteria provided, multiple submitters, no conflicts (2 of 4 stars). 2 submissions from 2 submitters: Uncertain significance (2). Last evaluated 2025-12-03.

Conditions:
Inborn genetic diseases. Identifiers: MedGen C0950123, MeSH D030342.

Allele frequency attached by ClinVar (database versions not stated): TOPMed below 0.00001; gnomAD exomes 0.00001; gnomAD 0.00001.
gnomAD v4.1: 9 of 1,613,570 alleles (0.00056%); highest among the groups gnomAD compares: Admixed American, 0.0017%; no homozygotes.

Submissions (2):

Ambry Genetics
Classification: Uncertain significance for Inborn genetic diseases. Last evaluated: 2025-12-03. Review status: criteria provided, single submitter. Criteria: Ambry Variant Classification Scheme 2023. Collection method: clinical testing. Allele origin: germline.

Labcorp Genetics (formerly Invitae), Labcorp
Classification: Uncertain significance. Last evaluated: 2024-01-09. Review status: criteria provided, single submitter. Criteria: Invitae Variant Classification Sherloc (09022015). Collection method: clinical testing. Allele origin: germline.
Comment: This sequence change replaces tyrosine, which is neutral and polar, with cysteine, which is neutral and slightly polar, at codon 1226 of the ARID1A protein (p.Tyr1226Cys). This variant is present in population databases (rs200814245, gnomAD 0.003%). This variant has not been reported in the literature in individuals affected with ARID1A-related conditions. Advanced modeling of protein sequence and biophysical properties (such as structural, functional, and spatial information, amino acid conservation, physicochemical variation, residue mobility, and thermodynamic stability) performed at Invitae indicates that this missense variant is expected to disrupt ARID1A protein function with a positive predictive value of 80%. In summary, the available evidence is currently insufficient to determine the role of this variant in disease. Therefore, it has been classified as a Variant of Uncertain Significance.

NM_006015.6(ARID1A):c.3677A>G (p.Tyr1226Cys)

Genes: ARID1A (AT-rich interaction domain 1A; plus strand), LOC126805670 (CDK7 strongly-dependent group 2 enhancer GRCh37_chr1:27098665-27099864; plus strand). Cytogenetic location: 1p36.11.
Variant type: single nucleotide variant.
Coding change: c.3677A>G on transcript NM_006015.6 (MANE Select); coding-DNA position 3677, A replaced by G.
Protein change: p.Tyr1226Cys; replaces tyrosine 1226 with cysteine.
Molecular consequence: missense variant.
Genome position (GRCh38, 1-based): chr1:26,772,949, A>G. VCF-style: chr1-26772949-A-G. GRCh37 (hg19) VCF-style: chr1-27099440-A-G.
Other names: c.3677A>G, p.Tyr1226Cys (NM_139135.4); short protein forms Y1226C.
Identifiers: ClinVar variation 3011031 (VCV003011031.4), dbSNP rs200814245, ClinGen allele CA19808244.
Genomic context (GRCh38, chr1:26,772,949, plus strand): 5'-CTCCAAACCCTGGGTATCAGCCCAGTATGAATACCTCTGACATGATGGGGCGCATGTCCT[A>G]TGAGCCAAATAAGGATCCTTATGGCAGCATGAGGAAAGGTGACTGATCTGATTGCTATTT-3'
Protein context (NP_006006.3, residues 1216-1236): NTSDMMGRMS[Tyr1226Cys]EPNKDPYGSM